The following is an entry in ClinVar:

NM_020435.4(GJC2):c.512A>C (p.Glu171Ala)

Gene: GJC2 (gap junction protein gamma 2; plus strand). Cytogenetic location: 1q42.13.
Variant type: single nucleotide variant.
Coding change: c.512A>C on transcript NM_020435.4 (MANE Select); coding-DNA position 512, A replaced by C.
Protein change: p.Glu171Ala; replaces glutamic acid 171 with alanine.
Molecular consequence: missense variant.
Genome position (GRCh38, 1-based): chr1:228,158,270, A>C. VCF-style: chr1-228158270-A-C. GRCh37 (hg19) VCF-style: chr1-228345971-A-C.
Other names: short protein forms E171A.
Identifiers: ClinVar variation 2432123 (VCV002432123.4), dbSNP rs546069072, ClinGen allele CA1430864.

ClinVar aggregate classification (germline): Uncertain significance. Review status: criteria provided, multiple submitters, no conflicts (2 of 4 stars). 2 submissions from 2 submitters: Uncertain significance (2). Last evaluated 2023-09-01.

Conditions:
Lymphatic malformation 3 (LMPHM3). Identifiers: Orphanet 79452, MedGen C4747646, MONDO:0013278, OMIM 613480.

Allele frequency attached by ClinVar (database versions not stated): TOPMed below 0.00001; gnomAD 0.00001; gnomAD exomes 0.00001; 1000 Genomes Project 30x 0.00016; 1000 Genomes Project 0.00020; ExAC 0.00032.

Submissions (2):

Clinical Genomics Laboratory, Washington University in St. Louis
Classification: Uncertain significance for Lymphatic malformation 3. Last evaluated: 2023-09-01. Review status: criteria provided, single submitter. Criteria: ACMG Guidelines, 2015. Collection method: clinical testing. Allele origin: germline.
Comment: The GJC2 c.512A>C (p.Glu171Ala) variant was identified at a near heterozygous allelic fraction. This variant, to our knowledge, has not been reported in the medical literature. This variant has been reported in the ClinVar database as a variant of uncertain significance by one submitter (ClinVar ID: 2432123) and has been reported in one case in the cancer database COSMIC (Genomic Mutation ID: COSV100812830). Computational predictors are uncertain as to the impact of this variant on GJC2 function. Due to limited information and based on ACMG/AMP guidelines for variant interpretation (Richards S et al., PMID: 25741868), the clinical significance of this variant is uncertain at this time.

Revvity Omics, Revvity
Classification: Uncertain significance. Last evaluated: 2022-02-21. Review status: criteria provided, single submitter. Criteria: ACMG Guidelines, 2015. Collection method: clinical testing. Allele origin: germline.